The following is an entry in ClinVar:

NM_001330078.2(NRXN1):c.1130G>A (p.Arg377His)

Gene: NRXN1 (neurexin 1; minus strand). Cytogenetic location: 2p16.3.
Variant type: single nucleotide variant.
Coding change: c.1130G>A on transcript NM_001330078.2 (MANE Select); coding-DNA position 1130, G replaced by A.
Protein change: p.Arg377His; replaces arginine 377 with histidine.
Molecular consequence: missense variant.
Genome position (GRCh38, 1-based): chr2:50,623,318, C>T on the plus strand (G>A on the coding strand, the complement: NRXN1 is on the minus strand). VCF-style: chr2-50623318-C-T. GRCh37 (hg19) VCF-style: chr2-50850456-C-T.
Other names: c.1229G>A, p.Arg410His (NM_001135659.3); c.1130G>A, p.Arg377His (NM_001330077.2, NM_001330082.2, NM_001330085.2 and 3 more transcripts); c.1070G>A, p.Arg357His (NM_001330083.2, NM_001330084.2, NM_001330087.2 and 1 more transcripts); c.1100G>A, p.Arg367His (NM_001330088.2); c.1127G>A, p.Arg376His (NM_001330093.2); c.1118G>A, p.Arg373His (NM_001330094.2); short protein forms R377H, R410H, R373H, R357H, R367H, R376H.
Identifiers: ClinVar variation 3675785 (VCV003675785.2).
Genomic context (GRCh38, chr2:50,623,318, plus strand): 5'-CACACAGCTATAGCGAGAAACAAAGCCAGTTACTCTCTTATCCACTGCGCTGTTACCTGA[C>T]GCAGATTCCTGGTGACTTTCACATCATGCCAGGCATTATCATTAAACTTTCCATTCACAG-3'
Protein context (NP_001317007.1, residues 367-387): WHDVKVTRNL[Arg377His]QHSGIGHAMV

ClinVar aggregate classification (germline): Uncertain significance (1 of 4 stars; one submission).

Conditions:
Pitt-Hopkins-like syndrome 2 (PTHSL2). Identifiers: Orphanet 221150, Orphanet 600663, MedGen C3280479, MONDO:0013690, OMIM 614325.

gnomAD v4.1: 8 of 1,611,774 alleles (0.0005%); highest among the groups gnomAD compares: Middle Eastern, 0.033%; no homozygotes.

Submission:

Labcorp Genetics (formerly Invitae), Labcorp
Classification: Uncertain significance for Pitt-Hopkins-like syndrome 2. Last evaluated: 2025-10-13. Review status: criteria provided, single submitter. Criteria: Invitae Variant Classification Sherloc (09022015). Collection method: clinical testing. Allele origin: germline.
Comment: This sequence change replaces arginine, which is basic and polar, with histidine, which is basic and polar, at codon 410 of the NRXN1 protein (p.Arg410His). This variant is present in population databases (rs777800586, gnomAD 0.0009%). This variant has not been reported in the literature in individuals affected with NRXN1-related conditions. ClinVar contains an entry for this variant (Variation ID: 3675785). An algorithm developed to predict the effect of missense changes on protein structure and function (PolyPhen-2) suggests that this variant is likely to be disruptive. In summary, the available evidence is currently insufficient to determine the role of this variant in disease. Therefore, it has been classified as a Variant of Uncertain Significance.